The following is an entry in ClinVar:

NM_001370959.1(POU6F2):c.1972A>C (p.Asn658His)

Gene: POU6F2 (POU class 6 homeobox 2; plus strand). Cytogenetic location: 7p14.1.
Variant type: single nucleotide variant.
Coding change: c.1972A>C on transcript NM_001370959.1 (MANE Select); coding-DNA position 1972, A replaced by C.
Protein change: p.Asn658His; replaces asparagine 658 with histidine.
Molecular consequence: missense variant.
Genome position (GRCh38, 1-based): chr7:39,464,495, A>C. VCF-style: chr7-39464495-A-C. GRCh37 (hg19) VCF-style: chr7-39504094-A-C.
Other names: c.1777A>C, p.Asn593His (NM_001166018.2); c.1885A>C, p.Asn629His (NM_007252.4); c.1885A>C (NM_007252.3); short protein forms N629H, N658H, N593H.
Identifiers: ClinVar variation 2499168 (VCV002499168.14), dbSNP rs145961110, ClinGen allele CA4227932.

ClinVar aggregate classification (germline): Conflicting classifications of pathogenicity. Review status: criteria provided, conflicting classifications (1 of 4 stars). 3 submissions from 3 submitters: Uncertain significance (1); Likely benign (1). 1 of the submissions does not count toward it. Last evaluated 2025-06-01.

Conditions:
POU6F2-related disorder. Also called: POU6F2-related condition.
Hypogonadotropic hypogonadism. Also called: Hypogonadotrophic hypogonadism; Isolated hypogonadotropic hypogonadism; Low gonadotropins (secondary hypogonadism); Hypogonadotropic hypogonadism with or without anosmia. Identifiers: Orphanet 432, MedGen C0271623, MONDO:0018555, HP:0000044.

Allele frequency attached by ClinVar (database versions not stated): ESP Exome Variant Server 0.00008; gnomAD exomes 0.00027; gnomAD 0.00028; TOPMed 0.00028; ExAC 0.00054; 1000 Genomes Project 30x 0.00094; 1000 Genomes Project 0.00100.
gnomAD v4.1: 459 of 1,613,904 alleles (0.028%); highest among the groups gnomAD compares: Middle Eastern, 0.64%; 4 homozygotes.

Submissions (3):

CeGaT Center for Human Genetics Tuebingen
Classification: Likely benign. Last evaluated: 2025-06-01. Review status: criteria provided, single submitter. Criteria: CeGaT Center For Human Genetics Tuebingen Variant Classification Criteria Version 2. Collection method: clinical testing. Allele origin: germline. Affected: yes. Observed: 1 variant allele.
Comment: POU6F2: PP3, BS2

Department of Pediatric Endocrinology, Cukurova University Medical Faculty
Classification: Uncertain significance for Hypogonadotropic hypogonadism. Review status: criteria provided, single submitter. Criteria: ACMG Guidelines, 2015. Collection method: research. Allele origin: paternal. Affected: yes. Observed: 1 heterozygote.

PreventionGenetics, part of Exact Sciences
Classification: Likely benign for POU6F2-related condition. Last evaluated: 2023-05-22. Review status: no assertion criteria provided. Collection method: clinical testing. Allele origin: germline. Not counted in ClinVar's aggregate classification.
Comment: This variant is classified as likely benign based on ACMG/AMP sequence variant interpretation guidelines (Richards et al. 2015 PMID: 25741868, with internal and published modifications).